The following is an entry in ClinVar:

NM_024301.5(FKRP):c.379G>A (p.Ala127Thr)

Gene: FKRP (fukutin related protein; plus strand). Cytogenetic location: 19q13.32.
Variant type: single nucleotide variant.
Coding change: c.379G>A on transcript NM_024301.5 (MANE Select); coding-DNA position 379, G replaced by A.
Protein change: p.Ala127Thr; replaces alanine 127 with threonine.
Molecular consequence: missense variant.
Genome position (GRCh38, 1-based): chr19:46,755,829, G>A. VCF-style: chr19-46755829-G-A. GRCh37 (hg19) VCF-style: chr19-47259086-G-A.
Other names: c.379G>A, p.Ala127Thr (NM_001039885.3); short protein forms A127T.
Identifiers: ClinVar variation 408716 (VCV000408716.5), dbSNP rs1060502106, ClinGen allele CA16616078.

ClinVar aggregate classification (germline): Uncertain significance. Review status: criteria provided, multiple submitters, no conflicts (2 of 4 stars). 4 submissions from 4 submitters: Uncertain significance (3). 1 of the submissions does not count toward it. Last evaluated 2025-07-24.

Conditions:
Cardiovascular phenotype. Identifiers: MedGen CN230736.
Walker-Warburg congenital muscular dystrophy. Also called: Muscular dystrophy-dystroglycanopathy, type A; Walker-Warburg syndrome. Identifiers: Orphanet 899, MedGen C0265221, MONDO:0000171.
Autosomal recessive limb-girdle muscular dystrophy type 2I. Also called: MUSCULAR DYSTROPHY-DYSTROGLYCANOPATHY (LIMB-GIRDLE), TYPE C, 5; MUSCULAR DYSTROPHY-DYSTROGLYCANOPATHY, LIMB-GIRDLE, FRKP-RELATED; MUSCULAR DYSTROPHY, LIMB-GIRDLE, TYPE 2I. Identifiers: Orphanet 34515, MedGen C1846672, MONDO:0011787, OMIM 607155.

Allele frequency attached by ClinVar (database versions not stated): gnomAD exomes below 0.00001; gnomAD 0.00001; TOPMed 0.00001.
gnomAD v4.1: 3 of 1,506,870 alleles (0.0002%); highest among the groups gnomAD compares: East Asian, 0.0049%; no homozygotes.

Submissions (4):

Ambry Genetics
Classification: Uncertain significance for Cardiovascular phenotype. Last evaluated: 2025-07-24. Review status: criteria provided, single submitter. Criteria: Ambry Variant Classification Scheme 2023. Collection method: clinical testing. Allele origin: germline.
Comment: The p.A127T variant (also known as c.379G>A), located in coding exon 1 of the FKRP gene, results from a G to A substitution at nucleotide position 379. The alanine at codon 127 is replaced by threonine, an amino acid with similar properties. This amino acid position is conserved. In addition, the in silico prediction for this alteration is inconclusive. Based on the available evidence, the clinical significance of this variant remains unclear.

Labcorp Genetics (formerly Invitae), Labcorp
Classification: Uncertain significance for Walker-Warburg congenital muscular dystrophy. Last evaluated: 2022-08-16. Review status: criteria provided, single submitter. Criteria: Invitae Variant Classification Sherloc (09022015). Collection method: clinical testing. Allele origin: germline.
Comment: This sequence change replaces alanine, which is neutral and non-polar, with threonine, which is neutral and polar, at codon 127 of the FKRP protein (p.Ala127Thr). This variant is present in population databases (no rsID available, gnomAD 0.01%). This variant has not been reported in the literature in individuals affected with FKRP-related conditions. ClinVar contains an entry for this variant (Variation ID: 408716). Algorithms developed to predict the effect of missense changes on protein structure and function are either unavailable or do not agree on the potential impact of this missense change (SIFT: "Tolerated"; PolyPhen-2: "Possibly Damaging"; Align-GVGD: "Class C0"). In summary, the available evidence is currently insufficient to determine the role of this variant in disease. Therefore, it has been classified as a Variant of Uncertain Significance.

GeneDx
Classification: Uncertain significance. Last evaluated: 2022-05-25. Review status: criteria provided, single submitter. Criteria: GeneDx Variant Classification Process June 2021. Collection method: clinical testing. Allele origin: germline. Affected: yes.
Comment: Not observed at significant frequency in large population cohorts (gnomAD); In silico analysis supports that this missense variant does not alter protein structure/function; Has not been previously published as pathogenic or benign to our knowledge

Natera, Inc.
Classification: Uncertain significance for Limb-girdle muscular dystrophy type 2I. Last evaluated: 2020-01-24. Review status: no assertion criteria provided. Collection method: clinical testing. Allele origin: germline. Not counted in ClinVar's aggregate classification.